The following is an entry in ClinVar:

ClinVar aggregate classification (germline): Uncertain significance (1 of 4 stars; one submission).

Allele frequency attached by ClinVar (database versions not stated): gnomAD exomes below 0.00001; TOPMed below 0.00001.
gnomAD v4.1: 2 of 1,595,164 alleles (0.00013%); highest among the groups gnomAD compares: East Asian, 0.0045%; no homozygotes.

Submission:

Labcorp Genetics (formerly Invitae), Labcorp
Classification: Uncertain significance. Last evaluated: 2022-05-04. Review status: criteria provided, single submitter. Criteria: Invitae Variant Classification Sherloc (09022015). Collection method: clinical testing. Allele origin: germline.
Comment: Algorithms developed to predict the effect of sequence changes on RNA splicing suggest that this variant may create or strengthen a splice site. Algorithms developed to predict the effect of missense changes on protein structure and function are either unavailable or do not agree on the potential impact of this missense change (SIFT: "Deleterious"; PolyPhen-2: "Possibly Damaging"; Align-GVGD: "Class C0"). This variant has not been reported in the literature in individuals affected with IFT81-related conditions. The frequency data for this variant in the population databases is considered unreliable, as metrics indicate poor data quality at this position in the gnomAD database. This sequence change replaces lysine, which is basic and polar, with arginine, which is basic and polar, at codon 398 of the IFT81 protein (p.Lys398Arg). In summary, the available evidence is currently insufficient to determine the role of this variant in disease. Therefore, it has been classified as a Variant of Uncertain Significance.

NM_014055.4(IFT81):c.1193A>G (p.Lys398Arg)

Gene: IFT81 (intraflagellar transport 81; plus strand). Cytogenetic location: 12q24.11.
Variant type: single nucleotide variant.
Coding change: c.1193A>G on transcript NM_014055.4 (MANE Select); coding-DNA position 1193, A replaced by G.
Protein change: p.Lys398Arg; replaces lysine 398 with arginine.
Molecular consequence: missense variant. On other transcripts: non-coding transcript variant (4).
Genome position (GRCh38, 1-based): chr12:110,180,426, A>G. VCF-style: chr12-110180426-A-G. GRCh37 (hg19) VCF-style: chr12-110618231-A-G.
Other names: c.1193A>G, p.Lys398Arg (NM_001143779.2); c.263A>G, p.Lys88Arg (NM_001347947.2, NM_001347948.2); short protein forms K398R, K88R.
Identifiers: ClinVar variation 1421536 (VCV001421536.4), dbSNP rs769401174, ClinGen allele CA6783309.